The following is an entry in ClinVar:

NM_001376013.1(EPB41):c.1598G>A (p.Arg533His)

Gene: EPB41 (erythrocyte membrane protein band 4.1; plus strand). Cytogenetic location: 1p35.3.
Variant type: single nucleotide variant.
Coding change: c.1598G>A on transcript NM_001376013.1 (MANE Select); coding-DNA position 1598, G replaced by A.
Protein change: p.Arg533His; replaces arginine 533 with histidine.
Molecular consequence: missense variant.
Genome position (GRCh38, 1-based): chr1:29,039,388, G>A. VCF-style: chr1-29039388-G-A. GRCh37 (hg19) VCF-style: chr1-29365900-G-A.
Other names: c.1598G>A, p.Arg533His (NM_001166005.2, NM_001166006.2, NM_001376014.1 and 7 more transcripts); c.971G>A, p.Arg324His (NM_001166007.2, NM_004437.4, NM_203342.3 and 7 more transcripts); c.1493G>A, p.Arg498His (NM_203343.3); short protein forms R324H, R498H, R533H.
Identifiers: ClinVar variation 3766890 (VCV003766890.2).

ClinVar aggregate classification (germline): Uncertain significance (1 of 4 stars; one submission).

Conditions:
Elliptocytosis 1 (EL1). Also called: 4.1- TRAIT; 4.1-MINUS TRAIT; ELLIPTOCYTOSIS, RHESUS-LINKED TYPE; PROTEIN 4.1 OF ERYTHROCYTE MEMBRANE, DEFECT OF. Identifiers: Orphanet 288, MedGen C2678497, MONDO:0012731, OMIM 611804.

gnomAD v4.1: 19 of 1,613,908 alleles (0.0012%); highest among the groups gnomAD compares: South Asian, 0.0099%; no homozygotes.

Submission:

ARUP Laboratories, Molecular Genetics and Genomics, ARUP Laboratories
Classification: Uncertain significance for Elliptocytosis 1. Last evaluated: 2025-05-10. Review status: criteria provided, single submitter. Criteria: ARUP Molecular Germline Variant Investigation Process 2024. Collection method: clinical testing. Allele origin: germline.
Comment: The EPB41 c.971G>A; p.Arg324His variant (rs372946232), to our knowledge, is not reported in the medical literature or gene specific databases. This variant is found in the general population with an overall allele frequency of 0.002% (5/251,430 alleles) in the Genome Aggregation Database (v2.1.1). Computational analyses predict that this variant is deleterious (REVEL: 0.937). However, given the lack of clinical and functional data, the significance of this variant is uncertain at this time.